The following is an entry in ClinVar:

ClinVar aggregate classification (germline): Uncertain significance (1 of 4 stars; one submission).

Submission:

Labcorp Genetics (formerly Invitae), Labcorp
Classification: Uncertain significance. Last evaluated: 2023-04-29. Review status: criteria provided, single submitter. Criteria: Invitae Variant Classification Sherloc (09022015). Collection method: clinical testing. Allele origin: germline.
Comment: This sequence change falls in intron 17 of the KIF2A gene. It does not directly change the encoded amino acid sequence of the KIF2A protein. It affects a nucleotide within the consensus splice site. This variant is not present in population databases (gnomAD no frequency). This variant has not been reported in the literature in individuals affected with KIF2A-related conditions. ClinVar contains an entry for this variant (Variation ID: 2133564). Variants that disrupt the consensus splice site are a relatively common cause of aberrant splicing (PMID: 17576681, 9536098). Algorithms developed to predict the effect of sequence changes on RNA splicing suggest that this variant is not likely to affect RNA splicing. In summary, the available evidence is currently insufficient to determine the role of this variant in disease. Therefore, it has been classified as a Variant of Uncertain Significance.

Literature cited by the submitters: PubMed 17576681; PubMed 9536098.

NM_001098511.3(KIF2A):c.1760+4T>A

Gene: KIF2A (kinesin family member 2A; plus strand). Cytogenetic location: 5q12.1.
Variant type: single nucleotide variant.
Coding change: c.1760+4T>A on transcript NM_001098511.3 (MANE Select); 4 bases into the intron after coding-DNA position 1760, T replaced by A.
Molecular consequence: intron variant.
Genome position (GRCh38, 1-based): chr5:62,372,555, T>A. VCF-style: chr5-62372555-T-A. GRCh37 (hg19) VCF-style: chr5-61668382-T-A.
Other names: c.1566-1132T>A (NM_001243952.2); c.1647-1132T>A (NM_004520.5); c.1590-1132T>A (NM_001243953.2).
Identifiers: ClinVar variation 2133564 (VCV002133564.4), dbSNP rs2531378503, ClinGen allele CA2580073366.
Genomic context (GRCh38, chr5:62,372,555, plus strand): 5'-TCGCCCTGATCTCTCTCCTTCTTATGAATATGACGACTTTTCTCCTTCAGTTACCAGGTC[T>A]ACTTCATTCTATACATAAGATGTTTATTTGTATACTTTCTTTTGAATTGTGCTTTGTATA-3'